The following is an entry in ClinVar:

ClinVar aggregate classification (germline): Uncertain significance (1 of 4 stars; one submission).

Submission:

Labcorp Genetics (formerly Invitae), Labcorp
Classification: Uncertain significance. Last evaluated: 2024-04-02. Review status: criteria provided, single submitter. Criteria: Invitae Variant Classification Sherloc (09022015). Collection method: clinical testing. Allele origin: germline.
Comment: This sequence change replaces glutamic acid, which is acidic and polar, with lysine, which is basic and polar, at codon 1372 of the CACNA1E protein (p.Glu1372Lys). This variant is not present in population databases (gnomAD no frequency). This variant has not been reported in the literature in individuals affected with CACNA1E-related conditions. Advanced modeling of protein sequence and biophysical properties (such as structural, functional, and spatial information, amino acid conservation, physicochemical variation, residue mobility, and thermodynamic stability) has been performed at Invitae for this missense variant, however the output from this modeling did not meet the statistical confidence thresholds required to predict the impact of this variant on CACNA1E protein function. In summary, the available evidence is currently insufficient to determine the role of this variant in disease. Therefore, it has been classified as a Variant of Uncertain Significance.

NM_001205293.3(CACNA1E):c.4114G>A (p.Glu1372Lys)

Gene: CACNA1E (calcium voltage-gated channel subunit alpha1 E; plus strand). Cytogenetic location: 1q25.3.
Variant type: single nucleotide variant.
Coding change: c.4114G>A on transcript NM_001205293.3 (MANE Select); coding-DNA position 4114, G replaced by A.
Protein change: p.Glu1372Lys; replaces glutamic acid 1372 with lysine.
Molecular consequence: missense variant.
Genome position (GRCh38, 1-based): chr1:181,756,080, G>A. VCF-style: chr1-181756080-G-A. GRCh37 (hg19) VCF-style: chr1-181725216-G-A.
Other names: c.4114G>A, p.Glu1372Lys (NM_000721.4); c.4057G>A, p.Glu1353Lys (NM_001205294.2); short protein forms E1353K, E1372K.
Identifiers: ClinVar variation 3633679 (VCV003633679.2).